The following is an entry in ClinVar:

ClinVar aggregate classification (germline): Pathogenic (1 of 4 stars; one submission).

Conditions:
Primary ciliary dyskinesia 3. Identifiers: Orphanet 244, MedGen C1837618, MONDO:0012085, OMIM 608644.

Submission:

Myriad Genetics, Inc.
Classification: Pathogenic for Primary ciliary dyskinesia 3. Last evaluated: 2024-05-14. Review status: criteria provided, single submitter. Criteria: Myriad Autosomal Dominant, Autosomal Recessive and X-Linked Classification Criteria (2023). Collection method: clinical testing. Allele origin: unknown.
Comment: NM_001369.2(DNAH5):c.13187_13188ins11(E4396Dfs*5) is expected to be pathogenic in the context of primary ciliary dyskinesia, DNAH5-related. This variant is predicted to lead to an abnormal or absent protein product due to the creation of a premature termination codon in DNAH5, a gene where loss-of-function variants are known to be pathogenic. Please note: this variant was assessed in the context of healthy population screening.

NM_001369.3(DNAH5):c.13187_13188insTAAGAGACAGT (p.Glu4396fs)

Gene: DNAH5 (dynein axonemal heavy chain 5; minus strand). Cytogenetic location: 5p15.2.
Variant type: Insertion.
Coding change: c.13187_13188insTAAGAGACAGT on transcript NM_001369.3 (MANE Select); coding-DNA positions 13187 to 13188, TAAGAGACAGT inserted.
Protein change: p.Glu4396fs; shifts the reading frame from glutamic acid 4396.
Molecular consequence: frameshift variant.
Genome position: GRCh38 VCF-style: chr5-13708273-T-TACTGTCTCTTA. GRCh37 (hg19) VCF-style: chr5-13708382-T-TACTGTCTCTTA.
Other names: short protein forms E4396fs.
Identifiers: ClinVar variation 5010869 (VCV005010869.1).